The following is an entry in ClinVar:

NM_000228.3(LAMB3):c.3190_3191delinsTA (p.Ala1064Ter)

Gene: LAMB3 (laminin subunit beta 3; minus strand). Cytogenetic location: 1q32.2.
Variant type: Indel.
Coding change: c.3190_3191delinsTA on transcript NM_000228.3 (MANE Select); coding-DNA positions 3190 to 3191, GC replaced by TA.
Protein change: p.Ala1064Ter; replaces alanine 1064 with a stop codon.
Molecular consequence: nonsense.
Genome position (GRCh38, 1-based): chr1:209,617,447-209,617,448, GC replaced by TA on the plus strand (GC replaced by TA on the coding strand, the reverse complement: LAMB3 is on the minus strand). VCF-style: chr1-209617447-GC-TA. GRCh37 (hg19) VCF-style: chr1-209790792-GC-TA.
Other names: c.3190_3191delinsTA, p.Ala1064Ter (NM_001017402.2, NM_001127641.1); short protein forms A1064*.
Identifiers: ClinVar variation 2734071 (VCV002734071.4), dbSNP rs2464752818, ClinGen allele CA2586967983.

ClinVar aggregate classification (germline): Pathogenic. Review status: criteria provided, multiple submitters, no conflicts (2 of 4 stars). 2 submissions from 2 submitters: Pathogenic (2). Last evaluated 2024-04-08.

Conditions:
Junctional epidermolysis bullosa, non-Herlitz type. Also called: Epidermolysis bullosa, junctional, non-herlitz type, somatic mosaic revertant; COL17A1-Related Junctional Epidermolysis Bullosa; EPIDERMOLYSIS BULLOSA, JUNCTIONAL 1A, INTERMEDIATE; EPIDERMOLYSIS BULLOSA JUNCTIONALIS, DISENTIS TYPE; EPIDERMOLYSIS BULLOSA JUNCTIONALIS, NON-HERLITZ TYPE; EPIDERMOLYSIS BULLOSA JUNCTIONALIS, PROGRESSIVE. Identifiers: Orphanet 251393, Orphanet 79402, Orphanet 79405, Orphanet 89840, MedGen C0268374, MONDO:0009180, OMIM 226650.
Amelogenesis imperfecta type 1A. Also called: AMELOGENESIS IMPERFECTA, HYPOPLASTIC TYPE IA; Amelogenesis imperfecta local hypoplastic; Amelogenesis imperfecta, hypoplastic type; Amelogenesis imperfecta, type IA. Identifiers: Orphanet 88661, MedGen C4011403, MONDO:0007094, OMIM 104530.
Junctional epidermolysis bullosa gravis of Herlitz. Also called: Herlitz-type junctional epidermolysis bullosa; EPIDERMOLYSIS BULLOSA, JUNCTIONAL 1B, SEVERE; EPIDERMOLYSIS BULLOSA JUNCTIONALIS, HERLITZ TYPE; EPIDERMOLYSIS BULLOSA, JUNCTIONAL, HERLITZ-PEARSON TYPE; JEB-HERLITZ TYPE; Epidermolysis Bullosa Letalis. Identifiers: Orphanet 79404, MedGen C0079683, MONDO:0009182, OMIM 226700.

Submissions (2):

Fulgent Genetics
Classification: Pathogenic for Amelogenesis imperfecta type 1A; Junctional epidermolysis bullosa, non-Herlitz type; Junctional epidermolysis bullosa gravis of Herlitz. Last evaluated: 2024-04-08. Review status: criteria provided, single submitter. Criteria: ACMG Guidelines, 2015. Collection method: clinical testing. Allele origin: germline.

Labcorp Genetics (formerly Invitae), Labcorp
Classification: Pathogenic. Last evaluated: 2023-04-25. Review status: criteria provided, single submitter. Criteria: Invitae Variant Classification Sherloc (09022015). Collection method: clinical testing. Allele origin: germline.
Comment: For these reasons, this variant has been classified as Pathogenic. This premature translational stop signal has been observed in individual(s) with junctional epidermolysis bullosa (PMID: 11810295). Information on the frequency of this variant in the gnomAD database is not available, as this variant may be reported differently in the database. This sequence change creates a premature translational stop signal (p.Ala1064*) in the LAMB3 gene. It is expected to result in an absent or disrupted protein product. Loss-of-function variants in LAMB3 are known to be pathogenic (PMID: 11023379, 16473856).

Literature cited by the submitters: PubMed 11810295 (cited by Labcorp Genetics (formerly Invitae), Labcorp); PubMed 11023379 (cited by Labcorp Genetics (formerly Invitae), Labcorp); PubMed 16473856 (cited by Labcorp Genetics (formerly Invitae), Labcorp).